The following is an entry in ClinVar:

ClinVar aggregate classification (germline): Uncertain significance (1 of 4 stars; one submission).

gnomAD v4.1: 13 of 1,613,400 alleles (0.00081%); highest among the groups gnomAD compares: Admixed American, 0.0017%; no homozygotes.

Submission:

Labcorp Genetics (formerly Invitae), Labcorp
Classification: Uncertain significance. Last evaluated: 2025-08-03. Review status: criteria provided, single submitter. Criteria: Invitae Variant Classification Sherloc (09022015). Collection method: clinical testing. Allele origin: germline.
Comment: This sequence change replaces glycine, which is neutral and non-polar, with arginine, which is basic and polar, at codon 366 of the MICAL1 protein (p.Gly366Arg). This variant is present in population databases (rs765230338, gnomAD 0.01%). This variant has not been reported in the literature in individuals affected with MICAL1-related conditions. An algorithm developed to predict the effect of missense changes on protein structure and function (PolyPhen-2) suggests that this variant is likely to be disruptive. In summary, the available evidence is currently insufficient to determine the role of this variant in disease. Therefore, it has been classified as a Variant of Uncertain Significance.

NM_022765.4(MICAL1):c.1039G>A (p.Gly347Arg)

Gene: MICAL1 (microtubule associated monooxygenase, calponin and LIM domain containing 1; minus strand). Cytogenetic location: 6q21.
Variant type: single nucleotide variant.
Coding change: c.1039G>A on transcript NM_022765.4 (MANE Select); coding-DNA position 1039, G replaced by A.
Protein change: p.Gly347Arg; replaces glycine 347 with arginine.
Molecular consequence: missense variant. On other transcripts: intron variant (1).
Genome position (GRCh38, 1-based): chr6:109,450,452, C>T on the plus strand (G>A on the coding strand, the complement: MICAL1 is on the minus strand). VCF-style: chr6-109450452-C-T. GRCh37 (hg19) VCF-style: chr6-109771655-C-T.
Other names: c.1096G>A, p.Gly366Arg (NM_001286613.2); c.934-367G>A (NM_001159291.2); short protein forms G347R, G366R.
Identifiers: ClinVar variation 4762071 (VCV004762071.1).